The following is an entry in ClinVar:

NM_001267550.2(TTN):c.25383del (p.Lys8461fs)

Gene: TTN (titin; minus strand). Cytogenetic location: 2q31.2.
Variant type: Deletion.
Coding change: c.25383del on transcript NM_001267550.2 (MANE Select); coding-DNA position 25383, one base deleted (G; older notation c.25383delG).
Protein change: p.Lys8461fs; shifts the reading frame from lysine 8461.
Molecular consequence: frameshift variant. On other transcripts: intron variant (3).
Genome position (GRCh38, 1-based): chr2:178,717,351, C deleted on the plus strand (G on the coding strand, the reverse complement: TTN is on the minus strand). VCF-style (leftmost placement, unchanged base first): chr2-178717350-GC-G. GRCh37 (hg19) VCF-style: chr2-179582077-GC-G.
Other names: c.24432del, p.Lys8144fs (NM_001256850.1); c.21651del, p.Lys7217fs (NM_133378.4); c.13282+20731del (NM_003319.4); c.13858+20731del (NM_133437.4); c.13657+20731del (NM_133432.3); short protein forms K7217fs, K8461fs, K8144fs.
Identifiers: ClinVar variation 2048512 (VCV002048512.4), dbSNP rs1452206214, ClinGen allele CA430285772.

ClinVar aggregate classification (germline): Likely pathogenic (1 of 4 stars; one submission).

Conditions:
Autosomal recessive limb-girdle muscular dystrophy type 2J (LGMDR10). Also called: Limb-girdle muscular dystrophy, type 2J; MUSCULAR DYSTROPHY, LIMB-GIRDLE, AUTOSOMAL RECESSIVE 10. Identifiers: Orphanet 140922, MedGen C1837342, MONDO:0012127, OMIM 608807.
Dilated cardiomyopathy 1G (CMD1G). Identifiers: Orphanet 154, MedGen C1858763, MONDO:0011400, OMIM 604145.

Allele frequency attached by ClinVar (database versions not stated): gnomAD exomes below 0.00001; gnomAD 0.00001; TOPMed 0.00002 and 0.00003; ESP Exome Variant Server 0.00009.

Submission:

Labcorp Genetics (formerly Invitae), Labcorp
Classification: Likely pathogenic for Dilated cardiomyopathy 1G; Autosomal recessive limb-girdle muscular dystrophy type 2J. Last evaluated: 2024-04-01. Review status: criteria provided, single submitter. Criteria: Invitae Variant Classification Sherloc (09022015). Collection method: clinical testing. Allele origin: germline.
Comment: This sequence change creates a premature translational stop signal (p.Lys8461Asnfs*5) in the TTN gene. While this is not anticipated to result in nonsense mediated decay, it is expected to create a truncated TTN protein. This variant is present in population databases (no rsID available, gnomAD 0.007%). This variant has not been reported in the literature in individuals affected with TTN-related conditions. ClinVar contains an entry for this variant (Variation ID: 2048512). Algorithms developed to predict the effect of sequence changes on RNA splicing suggest that this variant may disrupt the consensus splice site. This variant is located in the I band of TTN (PMID: 25589632). Truncating variants in this region have been reported in individuals affected with autosomal recessive centronuclear myopathy (PMID: 23975875, Invitae internal data). Truncating variants in this region have also been identified in individuals affected with autosomal dominant dilated cardiomyopathy and/or cardio-related conditions (PMID: 27869827, 32964742, Invitae internal data). In summary, the currently available evidence indicates that the variant is pathogenic, but additional data are needed to prove that conclusively. Therefore, this variant has been classified as Likely Pathogenic.

Literature cited by the submitters: PubMed 25589632; PubMed 23975875; PubMed 27869827; PubMed 32964742.